The following is an entry in ClinVar:

NM_014915.3(ANKRD26):c.958G>A (p.Val320Ile)

Gene: ANKRD26 (ankyrin repeat domain 26; minus strand). Cytogenetic location: 10p12.1.
Variant type: single nucleotide variant.
Coding change: c.958G>A on transcript NM_014915.3 (MANE Select); coding-DNA position 958, G replaced by A.
Protein change: p.Val320Ile; replaces valine 320 with isoleucine.
Molecular consequence: missense variant.
Genome position (GRCh38, 1-based): chr10:27,077,457, C>T on the plus strand (G>A on the coding strand, the complement: ANKRD26 is on the minus strand). VCF-style: chr10-27077457-C-T. GRCh37 (hg19) VCF-style: chr10-27366386-C-T.
Other names: c.958G>A, p.Val320Ile (NM_001256053.2); short protein forms V320I.
Identifiers: ClinVar variation 3912695 (VCV003912695.2).
Genomic context (GRCh38, chr10:27,077,457, plus strand): 5'-ATTGATAGGTAGGATGAGAAAAGCACTGGACTTTGATTGATGTTGTAGGAAGGCTTTCAA[C>T]CACAACTTCATCTTGACTATCGGAATCTCTATCCTCAAACAAAGTTCTATTTCCTGTTCT-3'
Protein context (NP_055730.2, residues 310-330): RDSDSQDEVV[Val320Ile]ESLPTTSIKV

ClinVar aggregate classification (germline): Conflicting classifications of pathogenicity. Review status: criteria provided, conflicting classifications (1 of 4 stars). 2 submissions from 2 submitters: Uncertain significance (1); Likely benign (1). Last evaluated 2025-05-02.

Conditions:
Inborn genetic diseases. Identifiers: MedGen C0950123, MeSH D030342.

gnomAD v4.1: 35 of 1,614,004 alleles (0.0022%); highest among the groups gnomAD compares: South Asian, 0.037%; 1 homozygote.

Submissions (2):

Ambry Genetics
Classification: Uncertain significance for Inborn genetic diseases. Last evaluated: 2025-05-02. Review status: criteria provided, single submitter. Criteria: Ambry Variant Classification Scheme 2023. Collection method: clinical testing. Allele origin: germline.
Comment: The p.V320I variant (also known as c.958G>A), located in coding exon 9 of the ANKRD26 gene, results from a G to A substitution at nucleotide position 958. The valine at codon 320 is replaced by isoleucine, an amino acid with highly similar properties. This amino acid position is conserved. In addition, this alteration is predicted to be tolerated by in silico analysis. Based on the available evidence, the clinical significance of this variant remains unclear.

Blueprint Genetics
Classification: Likely benign. Last evaluated: 2019-06-11. Review status: criteria provided, single submitter. Criteria: ACMG Guidelines, 2015. Collection method: clinical testing. Allele origin: germline.